The following is an entry in ClinVar:

ClinVar aggregate classification (germline): Uncertain significance (1 of 4 stars; one submission).

Conditions:
Primary ciliary dyskinesia. Also called: Ciliary dyskinesia. Identifiers: Orphanet 244, MedGen C0008780, MONDO:0016575, HP:0012265.

gnomAD v4.1: 8 of 1,613,172 alleles (0.0005%); highest among the groups gnomAD compares: South Asian, 0.0011%; no homozygotes.

Submission:

Labcorp Genetics (formerly Invitae), Labcorp
Classification: Uncertain significance for Primary ciliary dyskinesia. Last evaluated: 2022-06-09. Review status: criteria provided, single submitter. Criteria: Invitae Variant Classification Sherloc (09022015). Collection method: clinical testing. Allele origin: germline.
Comment: This sequence change replaces isoleucine, which is neutral and non-polar, with methionine, which is neutral and non-polar, at codon 563 of the DNAAF5 protein (p.Ile563Met). This variant is present in population databases (rs151227818, gnomAD 0.004%). This variant has not been reported in the literature in individuals affected with DNAAF5-related conditions. Algorithms developed to predict the effect of missense changes on protein structure and function output the following: SIFT: "Tolerated"; PolyPhen-2: "Benign"; Align-GVGD: "Class C0". The methionine amino acid residue is found in multiple mammalian species, which suggests that this missense change does not adversely affect protein function. In summary, the available evidence is currently insufficient to determine the role of this variant in disease. Therefore, it has been classified as a Variant of Uncertain Significance.

NM_017802.4(DNAAF5):c.1689T>G (p.Ile563Met)

Gene: DNAAF5 (dynein axonemal assembly factor 5; plus strand). Cytogenetic location: 7p22.3.
Variant type: single nucleotide variant.
Coding change: c.1689T>G on transcript NM_017802.4 (MANE Select); coding-DNA position 1689, T replaced by G.
Protein change: p.Ile563Met; replaces isoleucine 563 with methionine.
Molecular consequence: missense variant. On other transcripts: non-coding transcript variant (1).
Genome position (GRCh38, 1-based): chr7:763,880, T>G. VCF-style: chr7-763880-T-G. GRCh37 (hg19) VCF-style: chr7-803517-T-G.
Other names: short protein forms I563M.
Identifiers: ClinVar variation 2171795 (VCV002171795.1), dbSNP rs151227818, ClinGen allele CA4110819.